The following is an entry in ClinVar:

NM_000548.5(TSC2):c.4115T>C (p.Val1372Ala)

Gene: TSC2 (TSC complex subunit 2; plus strand). Cytogenetic location: 16p13.3.
Variant type: single nucleotide variant.
Coding change: c.4115T>C on transcript NM_000548.5 (MANE Select); coding-DNA position 4115, T replaced by C.
Protein change: p.Val1372Ala; replaces valine 1372 with alanine.
Molecular consequence: missense variant.
Genome position (GRCh38, 1-based): chr16:2,084,337, T>C. VCF-style: chr16-2084337-T-C. GRCh37 (hg19) VCF-style: chr16-2134338-T-C.
Other names: c.3914T>C, p.Val1305Ala (NM_001077183.3); c.4046T>C, p.Val1349Ala (NM_001114382.3); c.3806T>C, p.Val1269Ala (NM_001318827.2); c.3770T>C, p.Val1257Ala (NM_001318829.2); c.3383T>C, p.Val1128Ala (NM_001318831.2); c.3947T>C, p.Val1316Ala (NM_001318832.2); c.3917T>C, p.Val1306Ala (NM_001363528.2); c.3983T>C, p.Val1328Ala (NM_001370404.1); and 1 more; short protein forms V1257A, V1269A, V1305A, V1316A, V1128A, V1306A, V1372A, V1328A.
Identifiers: ClinVar variation 660549 (VCV000660549.16), dbSNP rs1300203299, ClinGen allele CA394299531.

ClinVar aggregate classification (germline): Conflicting classifications of pathogenicity. Review status: criteria provided, conflicting classifications (1 of 4 stars). 3 submissions from 3 submitters: Uncertain significance (2); Benign (1). Last evaluated 2025-08-18.

Conditions:
Tuberous sclerosis 2 (TSC2). Identifiers: Orphanet 805, MedGen C1860707, MONDO:0013199, OMIM 613254.
Hereditary cancer-predisposing syndrome. Also called: Neoplastic Syndromes, Hereditary; Hereditary neoplastic syndrome; Tumor predisposition; Hereditary Cancer Syndrome. Identifiers: Orphanet 140162, MedGen C0027672, MeSH D009386, MONDO:0015356.

Allele frequency attached by ClinVar (database versions not stated): gnomAD exomes below 0.00001; gnomAD 0.00001.
gnomAD v4.1: 1 of 1,612,588 alleles (0.000062%); highest among the groups gnomAD compares: Admixed American, 0.0017%; no homozygotes.

Submissions (3):

Labcorp Genetics (formerly Invitae), Labcorp
Classification: Benign for Tuberous sclerosis 2. Last evaluated: 2025-08-18. Review status: criteria provided, single submitter. Criteria: Invitae Variant Classification Sherloc (09022015). Collection method: clinical testing. Allele origin: germline.

Ambry Genetics
Classification: Uncertain significance for Hereditary cancer-predisposing syndrome. Last evaluated: 2025-03-18. Review status: criteria provided, single submitter. Criteria: Ambry Variant Classification Scheme 2023. Collection method: clinical testing. Allele origin: germline.
Comment: The p.V1372A variant (also known as c.4115T>C), located in coding exon 33 of the TSC2 gene, results from a T to C substitution at nucleotide position 4115. The valine at codon 1372 is replaced by alanine, an amino acid with similar properties. This amino acid position is not well conserved in available vertebrate species. In addition, the in silico prediction for this alteration is inconclusive. Based on the available evidence, the clinical significance of this variant remains unclear.

Genome-Nilou Lab
Classification: Uncertain significance for Tuberous sclerosis 2. Last evaluated: 2021-11-07. Review status: criteria provided, single submitter. Criteria: ACMG Guidelines, 2015. Collection method: clinical testing. Allele origin: germline. Affected: no.